The following is an entry in ClinVar:

ClinVar aggregate classification (germline): Pathogenic/Likely pathogenic. Review status: criteria provided, multiple submitters, no conflicts (2 of 4 stars). 9 submissions from 9 submitters: Pathogenic (7); Likely pathogenic (1). 1 of the submissions does not count toward it. Last evaluated 2025-01-16.

Conditions:
PIGN-related disorder. Also called: PIGN-related condition.
Multiple congenital anomalies-hypotonia-seizures syndrome 1 (MCAHS1). Also called: PIGN-CDG; Congenital disorder of glycosylation due to PIGN deficiency; GLYCOSYLPHOSPHATIDYLINOSITOL BIOSYNTHESIS DEFECT 3. Identifiers: Orphanet 280633, MedGen C3279775, MONDO:0013563, OMIM 614080.

Allele frequency attached by ClinVar (database versions not stated): gnomAD 0.00002 and 0.00003; ExAC 0.00006; TOPMed 0.00006; gnomAD exomes 0.00008.
gnomAD v4.1: 24 of 1,493,648 alleles (0.0016%); highest among the groups gnomAD compares: East Asian, 0.051%; no homozygotes.

Submissions (9):

3billion
Classification: Likely pathogenic for Multiple congenital anomalies-hypotonia-seizures syndrome 1. Last evaluated: 2025-01-16. Review status: criteria provided, single submitter. Criteria: ACMG Guidelines, 2015. Collection method: clinical testing. Allele origin: germline. Affected: yes.
Comment: The variant is observed at an extremely low frequency in the gnomAD v4.1.0 dataset (total allele frequency: 0.002%). Predicted Consequence/Location: Synonymous variant In silico tools predict the variant to alter splicing and produce an abnormal transcript [SpliceAI: 0.69 (>=0.2, moderate evidence for spliceogenicity)]. The variant has been reported to be in trans with a pathogenic variant as either compound heterozygous or homozygous in at least one similarly affected unrelated individual (PMID: 24253414). The variant has been reported at least twice as pathogenic with clinical assertions and evidence for the classification (ClinVar ID: VCV000101048 /PMID: 24253414, 32712949 /3billion dataset). Therefore, this variant is classified as Likely pathogenic (PM2_M, PM3_M, PP3_P, PP5_S) according to the recommendation of ACMG/AMP guideline.

Blueprint Genetics
Classification: Pathogenic for PIGN-related disorders. Last evaluated: 2024-09-12. Review status: criteria provided, single submitter. Criteria: ACMG Guidelines, 2015. Collection method: clinical testing. Allele origin: germline. Affected: yes. Observed: 5 variant alleles.

Labcorp Genetics (formerly Invitae), Labcorp
Classification: Pathogenic for Multiple congenital anomalies-hypotonia-seizures syndrome 1. Last evaluated: 2024-01-31. Review status: criteria provided, single submitter. Criteria: Invitae Variant Classification Sherloc (09022015). Collection method: clinical testing. Allele origin: germline.
Comment: This sequence change affects codon 321 of the PIGN mRNA. It is a 'silent' change, meaning that it does not change the encoded amino acid sequence of the PIGN protein. This variant also falls at the last nucleotide of exon 11, which is part of the consensus splice site for this exon. This variant is present in population databases (rs587777187, gnomAD 0.1%). This variant has been observed in individual(s) with PIGN-congenital disorder of glycosylation (PMID: 24253414, 33193741). In at least one individual the data is consistent with being in trans (on the opposite chromosome) from a pathogenic variant. It has also been observed to segregate with disease in related individuals. ClinVar contains an entry for this variant (Variation ID: 101048). Variants that disrupt the consensus splice site are a relatively common cause of aberrant splicing (PMID: 17576681, 9536098). Algorithms developed to predict the effect of sequence changes on RNA splicing suggest that this variant may disrupt the consensus splice site. For these reasons, this variant has been classified as Pathogenic.

Women's Health and Genetics/Laboratory Corporation of America, LabCorp
Classification: Pathogenic for Multiple congenital anomalies-hypotonia-seizures syndrome 1. Last evaluated: 2023-07-28. Review status: criteria provided, single submitter. Criteria: LabCorp Variant Classification Summary - May 2015. Collection method: clinical testing. Allele origin: germline.
Comment: Variant summary: PIGN c.963G>A (p.Gln321Gln), affecting the last nucleotide of exon 11, results in a synonymous change but alters a conserved nucleotide located close to a canonical splice site and therefore could affect mRNA splicing, leading to a significantly altered protein sequence. Several computational tools predict a significant impact on normal splicing: Two predict the variant abolishes a canonical 5' splicing donor site and one predicts the variant weakens the 5' donor site. At least one publication reports experimental evidence that this variant indeed affects mRNA splicing, producing two different aberrant transcripts, both of which result in a premature stop codon and are expected to undergo nonsense mediated decay (e.g. Ohba_2014). The variant allele was found at a frequency of 8.3e-05 in 192646 control chromosomes (gnomAD). c.963G>A has been reported in the literature as a biallelic genotype in multiple individuals affected with Multiple Congenital Anomalies-Hypotonia Syndrome 1 (e.g. Ohba_2014, Xiao_2020, Wang_2021). These data indicate that the variant is likely to be associated with disease. The following publications have been ascertained in the context of this evaluation (PMID: 24253414, 33502061, 33193741). Three submitters have cited clinical-significance assessments for this variant to ClinVar after 2014. All submitters classified the variant as pathogenic. Based on the evidence outlined above, the variant was classified as pathogenic.

Laboratorio de Genetica e Diagnostico Molecular, Hospital Israelita Albert Einstein
Classification: Pathogenic for Multiple congenital anomalies-hypotonia-seizures syndrome 1. Last evaluated: 2023-01-20. Review status: criteria provided, single submitter. Criteria: ACMG Guidelines, 2015. Collection method: clinical testing. Allele origin: germline. Affected: yes. Observed: 1 variant allele.
Comment: ACMG classification criteria: PS3 supporting, PM2 supporting, PM3 very strong, PP1 supporting

GeneDx
Classification: Pathogenic. Last evaluated: 2022-02-22. Review status: criteria provided, single submitter. Criteria: GeneDx Variant Classification Process June 2021. Collection method: clinical testing. Allele origin: germline. Affected: yes.
Comment: Published functional studies demonstrate that Q321= leads to aberrant splicing, resulting in two different frameshift variants, p.Ala322Valfs*24 and p.Glu308Glyfs*2, respectively (Ohba et al., 2014); Alters the last nucleotide of the exon and is predicted to destroy the splice donor site and result in aberrant splicing, although in the absence of functional evidence, the actual effect of this sequence change is unknown; This variant is associated with the following publications: (PMID: 32860008, 28273706, 24253414, 32036363, 32220244, 33193741, 33502061, 32712949)

CENTOGENE GmbH and LLC - Guiding Precision Medicine
Classification: Pathogenic for Multiple congenital anomalies-hypotonia-seizures syndrome 1. Review status: criteria provided, single submitter. Criteria: ACMG Guidelines, 2015. Collection method: clinical testing. Allele origin: germline. Affected: yes.

Juno Genomics, Hangzhou Juno Genomics, Inc
Classification: Pathogenic for Multiple congenital anomalies-hypotonia-seizures syndrome 1. Review status: criteria provided, single submitter. Criteria: ACMG Guidelines, 2015. Collection method: clinical testing. Allele origin: germline.
Comment: Absent from controls (or at extremely low frequency if recessive) in Genome Aggregation Database.;Multiple lines of computational evidence support a deleterious effect on the gene or gene product.;For recessive disorders, detected in trans with a pathogenic variant.;Co-segregation with disease in multiple affected family members.

OMIM
Classification: Pathogenic for MULTIPLE CONGENITAL ANOMALIES-HYPOTONIA-SEIZURES SYNDROME 1. Last evaluated: 2013-11-20. Review status: no assertion criteria provided. Collection method: literature only. Allele origin: germline. Not counted in ClinVar's aggregate classification.

Literature cited by the submitters: PubMed 24253414 (cited by 4 submitters); PubMed 33193741 (cited by Labcorp Genetics (formerly Invitae), Labcorp and Women's Health and Genetics/Laboratory Corporation of America, LabCorp); PubMed 17576681 (cited by Labcorp Genetics (formerly Invitae), Labcorp); PubMed 9536098 (cited by Labcorp Genetics (formerly Invitae), Labcorp); PubMed 33502061 (cited by Women's Health and Genetics/Laboratory Corporation of America, LabCorp); PubMed 32860008 (cited by CENTOGENE GmbH and LLC - Guiding Precision Medicine).

NM_176787.5(PIGN):c.963G>A (p.Gln321=)

Gene: PIGN (phosphatidylinositol glycan anchor biosynthesis class N; minus strand). Cytogenetic location: 18q21.33.
Variant type: single nucleotide variant.
Coding change: c.963G>A on transcript NM_176787.5 (MANE Select); coding-DNA position 963, G replaced by A.
Protein change: p.Gln321=; no amino-acid change (glutamine 321 retained).
Molecular consequence: synonymous variant.
Genome position (GRCh38, 1-based): chr18:62,143,306, C>T on the plus strand (G>A on the coding strand, the complement: PIGN is on the minus strand). VCF-style: chr18-62143306-C-T. GRCh37 (hg19) VCF-style: chr18-59810539-C-T.
Other names: 963G-A; c.963G>A, p.Gln321= (NM_012327.6).
Identifiers: ClinVar variation 101048 (VCV000101048.16), dbSNP rs587777187, ClinGen allele CA150716.